The following is an entry in ClinVar:

ClinVar aggregate classification (germline): Uncertain significance (1 of 4 stars; one submission).

Submission:

Labcorp Genetics (formerly Invitae), Labcorp
Classification: Uncertain significance. Last evaluated: 2024-01-02. Review status: criteria provided, single submitter. Criteria: Invitae Variant Classification Sherloc (09022015). Collection method: clinical testing. Allele origin: germline.
Comment: This sequence change replaces glycine, which is neutral and non-polar, with serine, which is neutral and polar, at codon 423 of the COL18A1 protein (p.Gly423Ser). This variant is not present in population databases (gnomAD no frequency). This variant has not been reported in the literature in individuals affected with COL18A1-related conditions. ClinVar contains an entry for this variant (Variation ID: 2110267). Experimental studies and prediction algorithms are not available or were not evaluated, and the functional significance of this variant is currently unknown. In summary, the available evidence is currently insufficient to determine the role of this variant in disease. Therefore, it has been classified as a Variant of Uncertain Significance.

NM_001379500.1(COL18A1):c.1267G>A (p.Gly423Ser)

Gene: COL18A1 (collagen type XVIII alpha 1 chain; plus strand). Cytogenetic location: 21q22.3.
Variant type: single nucleotide variant.
Coding change: c.1267G>A on transcript NM_001379500.1 (MANE Select); coding-DNA position 1267, G replaced by A.
Protein change: p.Gly423Ser; replaces glycine 423 with serine.
Molecular consequence: missense variant.
Genome position (GRCh38, 1-based): chr21:45,479,920, G>A. VCF-style: chr21-45479920-G-A. GRCh37 (hg19) VCF-style: chr21-46899834-G-A.
Other names: c.1807G>A, p.Gly603Ser (NM_030582.4); c.2512G>A, p.Gly838Ser (NM_130444.3); short protein forms G603S, G838S, G423S.
Identifiers: ClinVar variation 2110267 (VCV002110267.4), dbSNP rs2517621295, ClinGen allele CA410516672.